The following is an entry in ClinVar:

NM_000018.4(ACADVL):c.1748C>T (p.Ser583Leu)

Gene: ACADVL (acyl-CoA dehydrogenase very long chain; plus strand). Cytogenetic location: 17p13.1.
Variant type: single nucleotide variant.
Coding change: c.1748C>T on transcript NM_000018.4 (MANE Select); coding-DNA position 1748, C replaced by T.
Protein change: p.Ser583Leu; replaces serine 583 with leucine.
Molecular consequence: missense variant.
Genome position (GRCh38, 1-based): chr17:7,224,711, C>T. VCF-style: chr17-7224711-C-T. GRCh37 (hg19) VCF-style: chr17-7128030-C-T.
Other names: NM_000018.4(ACADVL):c.1748C>T; p.Ser583Leu; c.1682C>T, p.Ser561Leu (NM_001033859.3); c.1817C>T, p.Ser606Leu (NM_001270447.2); c.1520C>T, p.Ser507Leu (NM_001270448.2); c.1748C>T (NM_000018.2); short protein forms S583L, S606L, S507L, S561L.
Identifiers: ClinVar variation 550315 (VCV000550315.25), dbSNP rs1085307648, ClinGen allele CA397725788.

ClinVar aggregate classification (germline): Uncertain significance. Review status: reviewed by expert panel (3 of 4 stars). 9 submissions from 9 submitters: Uncertain significance (1). 8 of the submissions do not count toward it. Last evaluated 2022-12-15.

Conditions:
ACADVL-related disorder. Also called: ACADVL-related condition.
Very long chain acyl-CoA dehydrogenase deficiency (ACADVLD). Also called: VLCAD Deficiency; Very Long-Chain Acyl-Coenzyme A Dehydrogenase Deficiency. Identifiers: Orphanet 26793, MedGen C3887523, MONDO:0008723, OMIM 201475.

Allele frequency attached by ClinVar (database versions not stated): gnomAD exomes 0.00001.
gnomAD v4.1: 5 of 1,595,394 alleles (0.00031%); highest among the groups gnomAD compares: African/African-American, 0.0013%; no homozygotes.

Submissions (9):

ClinGen ACADVL Variant Curation Expert Panel, ClinGen
Classification: Uncertain significance for Very long chain acyl-CoA dehydrogenase deficiency. Last evaluated: 2022-12-15. Review status: reviewed by expert panel. Criteria: clingen acadvl acmg specifications v1. Collection method: curation. Allele origin: germline. Inheritance: Autosomal recessive inheritance.
Comment: The NM_000018.4(ACADVL): c.1748C>T (p.Ser583Leu) variant in ACADVL is a missense variant predicted to cause substitution of serine by leucine at amino acid 583 (p.Ser583Leu). This variant has been detected in two individuals with very long chain acyl CoA dehydrogenase (VLCAD) deficiency. Of those individuals, both were homozygous for the variant; Moreover, this variant was co-detected with c.848T>C (p.Val283Ala) variant with unknown phase (PM3 point 1.5, PMIDs 32518924, 23774949) (PM3). At least two patients with this variant in homozygous state displayed clinical phonotypes, NBS abnormalities and/or increased C14:1 levels, which is highly specific for VLCAD deficiency (PP4_Supporting, PMIDs 32518924). At least one individual with this variant was identified by newborn screen, but this information is insufficient for to use toward classification (PMID: 26385305).The highest population minor allele frequency in gnomAD v2.1.1 is 0.000034 in South Asian population, which is lower than the ClinGen ACADVL Variant Curation Expert Panel threshold (<0.001) for PM2_Supporting, meeting this criterion (PM2_Supporting). The computational predictor REVEL gives a score of 0.674, which is neither above nor below the thresholds predicting a damaging or benign impact on ACADVL function. Due to limited evidence, this variant is classified as a variant of uncertain significance for autosomal recessive very long chain acyl-CoA dehydrogenase (VLCAD) deficiency based on the ACMG/AMP criteria applied, as specified by the ClinGen ACADVL Variant Curation Expert Panel: PM3, PM2_Supporting, PP4_Supporting.

Natera, Inc.
Classification: Pathogenic for Very long chain acyl-CoA dehydrogenase deficiency. Last evaluated: 2024-08-01. Review status: criteria provided, single submitter. Criteria: Natera Variant Classification Schema (03/2026). Collection method: clinical testing. Allele origin: germline. Not counted in ClinVar's aggregate classification.
Comment: The c.1748C>T variant in ACADVL is a missense variant predicted to cause substitution of serine to leucine at amino acid 583. This variant is rare in the general population with a frequency below the threshold expected for the associated phenotype(s). This variant has been observed in one or more individuals affected with the associated recessive disease, as either homozygous or compound heterozygous with a second variant (PMID: 27374853, 32518924, 15210884). This variant has been identified in one or more affected individuals with a phenotype highly consistent with the associated gene (PMID: 27374853). A different variant at the same position has been determined to be Pathogenic or Likely Pathogenic. Computational prediction algorithms indicate this variant is likely to affect gene or protein function. Given the available evidence, this variant is classified as Pathogenic.

Blueprint Genetics
Classification: Pathogenic for ACADVL-related disorders. Last evaluated: 2024-04-26. Review status: criteria provided, single submitter. Criteria: ACMG Guidelines, 2015. Collection method: clinical testing. Allele origin: germline. Affected: yes. Observed: 2 variant alleles. Not counted in ClinVar's aggregate classification.

Fulgent Genetics
Classification: Likely pathogenic for Very long chain acyl-CoA dehydrogenase deficiency. Last evaluated: 2024-01-19. Review status: criteria provided, single submitter. Criteria: ACMG Guidelines, 2015. Collection method: clinical testing. Allele origin: germline. Not counted in ClinVar's aggregate classification.

GeneDx
Classification: Likely pathogenic. Last evaluated: 2023-11-17. Review status: criteria provided, single submitter. Criteria: GeneDx Variant Classification Process June 2021. Collection method: clinical testing. Allele origin: germline. Affected: yes. Not counted in ClinVar's aggregate classification.
Comment: Not observed at significant frequency in large population cohorts (gnomAD); In silico analysis supports that this missense variant has a deleterious effect on protein structure/function; This variant is associated with the following publications: (PMID: 16464760, 26385305, 20480395, 15210884, 32518924, 23774949, 9599005)

Labcorp Genetics (formerly Invitae), Labcorp
Classification: Pathogenic for Very long chain acyl-CoA dehydrogenase deficiency. Last evaluated: 2022-11-15. Review status: criteria provided, single submitter. Criteria: Invitae Variant Classification Sherloc (09022015). Collection method: clinical testing. Allele origin: germline. Not counted in ClinVar's aggregate classification.
Comment: For these reasons, this variant has been classified as Pathogenic. Advanced modeling of protein sequence and biophysical properties (such as structural, functional, and spatial information, amino acid conservation, physicochemical variation, residue mobility, and thermodynamic stability) performed at Invitae indicates that this missense variant is expected to disrupt ACADVL protein function. ClinVar contains an entry for this variant (Variation ID: 550315). This variant is also known as S543L. This missense change has been observed in individual(s) with very long chain acyl-CoA dehydrogenase deficiency (PMID: 15210884, 16464760, 23774949). In at least one individual the data is consistent with being in trans (on the opposite chromosome) from a pathogenic variant. The frequency data for this variant in the population databases is considered unreliable, as metrics indicate poor data quality at this position in the gnomAD database. This sequence change replaces serine, which is neutral and polar, with leucine, which is neutral and non-polar, at codon 583 of the ACADVL protein (p.Ser583Leu).

ARUP Laboratories, Molecular Genetics and Genomics, ARUP Laboratories
Classification: Pathogenic for Very long chain acyl-CoA dehydrogenase deficiency. Last evaluated: 2022-11-03. Review status: criteria provided, single submitter. Criteria: ARUP Molecular Germline Variant Investigation Process 2021. Collection method: clinical testing. Allele origin: germline. Not counted in ClinVar's aggregate classification.
Comment: The ACADVL c.1748C>T; p.Ser583Leu variant (rs1085307648) is reported in the literature in multiple individuals affected with very long chain acyl-coA dehydrogenase (VLCAD) deficiency, some of whom had significantly lower VLCAD enzyme activity (Bujan 2014, Campbell 2005, Miller 2015, Ohashi 2004). This variant is reported in ClinVar (Variation ID: 550315), and is only observed on two alleles in the Genome Aggregation Database, indicating it is not a common polymorphism. The serine at codon 583 is highly conserved, but computational analyses are uncertain whether this variant is neutral or deleterious (REVEL: 0.674). Additionally, another variant at this codon (c.1748C>G; p.Ser583Trp) has been reported in individuals with VLCAD deficiency (Miller 2015). Based on available information, this variant is considered to be pathogenic. References: Bujan N et al. Characterization of CoQ10 biosynthesis in fibroblasts of patients with primary and secondary CoQ10 deficiency. J Inherit Metab Dis. 2014 Jan;37(1):53-62. PMID: 23774949. Campbell CD et al. Two newborns with nutritional vitamin B12 deficiency: challenges in newborn screening for vitamin B12 deficiency. Haematologica. 2005 Dec;90(12 Suppl):ECR45. PMID: 16464760. Miller MJ et al. Recurrent ACADVL molecular findings in individuals with a positive newborn screen for very long chain acyl-coA dehydrogenase (VLCAD) deficiency in the United States. Mol Genet Metab. 2015 Nov;116(3):139-45. PMID: 26385305. Ohashi Y et al. A new diagnostic test for VLCAD deficiency using immunohistochemistry. Neurology. 2004 Jun 22;62(12):2209-13. PMID: 15210884.

Wong Mito Lab, Molecular and Human Genetics, Baylor College of Medicine
Classification: Pathogenic for Very long chain acyl-CoA dehydrogenase deficiency. Last evaluated: 2019-11-01. Review status: criteria provided, single submitter. Criteria: ACMG Guidelines, 2015. Collection method: clinical testing. Allele origin: germline. Not counted in ClinVar's aggregate classification.
Comment: The NM_000018.3:c.1748C>T (NP_000009.1:p.Ser583Leu) [GRCH38: NC_000017.11:g.7224711C>T] variant in ACADVL gene is interpretated to be Pathogenic based on ACMG guidelines (PMID: 25741868). This variant has been reported in PMID: 15210884. This variant meets the following evidence codes reported in the ACMG guidelines: PS1, PS3

Counsyl
Classification: Likely pathogenic for Very long chain acyl-CoA dehydrogenase deficiency. Last evaluated: 2017-01-06. Review status: no assertion criteria provided. Collection method: clinical testing. Allele origin: unknown. Not counted in ClinVar's aggregate classification.

Literature cited by the submitters: PubMed 27374853 (cited by Natera, Inc.); PubMed 32518924 (cited by Natera, Inc.); PubMed 15210884 (cited by 4 submitters); PubMed 16464760 (cited by Labcorp Genetics (formerly Invitae), Labcorp and Counsyl); PubMed 23774949 (cited by Labcorp Genetics (formerly Invitae), Labcorp and Counsyl); PubMed 20480395 (cited by Counsyl); PubMed 26385305 (cited by Counsyl).